The following is an entry in ClinVar:

NM_003924.4(PHOX2B):c.734C>G (p.Ala245Gly)

Genes: PHOX2B (paired like homeobox 2B; minus strand), LOC110011216 (paired like homeobox 2b polyalanine repeat instability region; plus strand). Cytogenetic location: 4p13.
Variant type: single nucleotide variant.
Coding change: c.734C>G on transcript NM_003924.4 (MANE Select); coding-DNA position 734, C replaced by G.
Protein change: p.Ala245Gly; replaces alanine 245 with glycine.
Molecular consequence: missense variant.
Genome position (GRCh38, 1-based): chr4:41,746,018, G>C on the plus strand (C>G on the coding strand, the complement: PHOX2B is on the minus strand). VCF-style: chr4-41746018-G-C. GRCh37 (hg19) VCF-style: chr4-41748035-G-C.
Other names: short protein forms A245G.
Identifiers: ClinVar variation 3223597 (VCV003223597.1), dbSNP rs1733881745, ClinGen allele CA356737233.

ClinVar aggregate classification (germline): Uncertain significance (1 of 4 stars; one submission).

Conditions:
Hereditary cancer-predisposing syndrome. Also called: Tumor predisposition; Hereditary neoplastic syndrome; Hereditary Cancer Syndrome; Neoplastic Syndromes, Hereditary. Identifiers: Orphanet 140162, MedGen C0027672, MeSH D009386, MONDO:0015356.

Submission:

Ambry Genetics
Classification: Uncertain significance for Hereditary cancer-predisposing syndrome. Last evaluated: 2024-03-09. Review status: criteria provided, single submitter. Criteria: Ambry Variant Classification Scheme 2023. Collection method: clinical testing. Allele origin: germline.
Comment: The p.A245G variant (also known as c.734C>G), located in coding exon 3 of the PHOX2B gene, results from a C to G substitution at nucleotide position 734. The alanine at codon 245 is replaced by glycine, an amino acid with similar properties. This amino acid position is conserved. In addition, this alteration is predicted to be tolerated by in silico analysis. Based on the available evidence, the clinical significance of this alteration remains unclear.